The following is an entry in ClinVar:

NM_177398.4(LMX1A):c.1050T>C (p.Asp350=)

Gene: LMX1A (LIM homeobox transcription factor 1 alpha; minus strand). Cytogenetic location: 1q23.3.
Variant type: single nucleotide variant.
Coding change: c.1050T>C on transcript NM_177398.4 (MANE Select); coding-DNA position 1050, T replaced by C.
Protein change: p.Asp350=; no amino-acid change (aspartic acid 350 retained).
Molecular consequence: synonymous variant.
Genome position (GRCh38, 1-based): chr1:165,203,979, A>G on the plus strand (T>C on the coding strand, the complement: LMX1A is on the minus strand). VCF-style: chr1-165203979-A-G. GRCh37 (hg19) VCF-style: chr1-165173216-A-G.
Other names: p.Asp350=; c.1050T>C, p.Asp350= (NM_001174069.2).
Identifiers: ClinVar variation 1294826 (VCV001294826.6), dbSNP rs1354509, ClinGen allele CA1219606.

ClinVar aggregate classification (germline): Benign. Review status: criteria provided, multiple submitters, no conflicts (2 of 4 stars). 4 submissions from 4 submitters: Benign (4). Last evaluated 2022-12-02.

Conditions:
Autosomal dominant nonsyndromic hearing loss 7. Also called: Deafness, autosomal dominant 7. Identifiers: Orphanet 90635, MedGen C1832379, MONDO:0011074, OMIM 601412.

Allele frequency attached by ClinVar (database versions not stated): 1000 Genomes Project 0.99880; gnomAD 0.99887 and 0.99893; ESP Exome Variant Server 0.99915; gnomAD exomes 0.99969 and 0.99990; ExAC 0.99965; TOPMed 0.99880; 1000 Genomes Project 30x 0.99891.
gnomAD v4.1: 1,613,848 of 1,614,162 alleles (100%); highest among the groups gnomAD compares: Non-Finnish European, 100%; 806,768 homozygotes.

Submissions (4):

Mayo Clinic Laboratories, Mayo Clinic
Classification: Benign. Last evaluated: 2022-12-02. Review status: criteria provided, single submitter. Criteria: ACMG Guidelines, 2015. Collection method: clinical testing. Allele origin: germline. Observed: 52 variant alleles.
Comment: BA1, BS2, BP4, BP7

Genome-Nilou Lab
Classification: Benign for Autosomal dominant nonsyndromic hearing loss 7. Last evaluated: 2021-08-19. Review status: criteria provided, single submitter. Criteria: ACMG Guidelines, 2015. Collection method: clinical testing. Allele origin: germline. Affected: no.

GeneDx
Classification: Benign. Last evaluated: 2021-05-04. Review status: criteria provided, single submitter. Criteria: GeneDx Variant Classification Process June 2021. Collection method: clinical testing. Allele origin: germline. Affected: yes.

Breakthrough Genomics
Classification: Benign. Review status: criteria provided, single submitter. Criteria: ACMG Guidelines, 2015. Collection method: not provided. Allele origin: germline. Inheritance: Autosomal dominant inheritance. Affected: yes.